The following is an entry in ClinVar:

NM_017999.5(RNF31):c.790G>T (p.Gly264Cys)

Gene: RNF31 (ring finger protein 31; plus strand). Cytogenetic location: 14q12.
Variant type: single nucleotide variant.
Coding change: c.790G>T on transcript NM_017999.5 (MANE Select); coding-DNA position 790, G replaced by T.
Protein change: p.Gly264Cys; replaces glycine 264 with cysteine.
Molecular consequence: missense variant.
Genome position (GRCh38, 1-based): chr14:24,149,564, G>T. VCF-style: chr14-24149564-G-T. GRCh37 (hg19) VCF-style: chr14-24618773-G-T.
Other names: c.790G>T (NM_017999.4); c.337G>T, p.Gly113Cys (NM_001310332.2); short protein forms G113C, G264C.
Identifiers: ClinVar variation 3690970 (VCV003690970.3).
Genomic context (GRCh38, chr14:24,149,564, plus strand): 5'-TTCCATGGACACCCATCCCGTGCTCATCACCTCCGCCAGACCCTGCCTGGGGTCCTGCAG[G>T]GTACCCACCTGAGCCCCAGGTGAGAGGGCTTCTCTTCTGGGTGGGAGTGAAATTTAGAGA-3'
Protein context (NP_060469.4, residues 254-274): LRQTLPGVLQ[Gly264Cys]THLSPSLPAS

ClinVar aggregate classification (germline): Uncertain significance. Review status: criteria provided, multiple submitters, no conflicts (2 of 4 stars). 2 submissions from 2 submitters: Uncertain significance (2). Last evaluated 2025-02-08.

Submissions (2):

Ambry Genetics
Classification: Uncertain significance. Last evaluated: 2025-02-08. Review status: criteria provided, single submitter. Criteria: Ambry Variant Classification Scheme 2023. Collection method: clinical testing. Allele origin: germline.

Labcorp Genetics (formerly Invitae), Labcorp
Classification: Uncertain significance. Last evaluated: 2024-07-15. Review status: criteria provided, single submitter. Criteria: Invitae Variant Classification Sherloc (09022015). Collection method: clinical testing. Allele origin: germline.
Comment: This sequence change replaces glycine, which is neutral and non-polar, with cysteine, which is neutral and slightly polar, at codon 264 of the RNF31 protein (p.Gly264Cys). This variant is present in population databases (rs369097798, gnomAD 0.007%). This variant has not been reported in the literature in individuals affected with RNF31-related conditions. An algorithm developed to predict the effect of missense changes on protein structure and function (PolyPhen-2) suggests that this variant is likely to be tolerated. In summary, the available evidence is currently insufficient to determine the role of this variant in disease. Therefore, it has been classified as a Variant of Uncertain Significance.